The following is an entry in ClinVar:

NM_000283.4(PDE6B):c.1267C>T (p.Gln423Ter)

Gene: PDE6B (phosphodiesterase 6B; plus strand). Cytogenetic location: 4p16.3.
Variant type: single nucleotide variant.
Coding change: c.1267C>T on transcript NM_000283.4 (MANE Select); coding-DNA position 1267, C replaced by T.
Protein change: p.Gln423Ter; replaces glutamine 423 with a stop codon.
Molecular consequence: nonsense.
Genome position (GRCh38, 1-based): chr4:657,360, C>T. VCF-style: chr4-657360-C-T. GRCh37 (hg19) VCF-style: chr4-651149-C-T.
Other names: c.1267C>T, p.Gln423Ter (NM_001145291.2); c.430C>T, p.Gln144Ter (NM_001145292.2, NM_001350154.3, NM_001379246.1 and 1 more transcripts); c.112C>T, p.Gln38Ter (NM_001350155.3); short protein forms Q144*, Q38*, Q423*.
Identifiers: ClinVar variation 2119583 (VCV002119583.5), dbSNP rs1736404481, ClinGen allele CA355913726.
Genomic context (GRCh38, chr4:657,360, plus strand): 5'-AGGGGGCGCGCCGGGAGCGCTGAGCGCCAGTGACACTGCCATCCCCTCCAGTCCCTGACA[C>T]AGTTCCTGGGCTGGTCAGTGATGAACACCGACACCTACGACAAGATGAACAAGCTGGAGA-3'

ClinVar aggregate classification (germline): Pathogenic/Likely pathogenic. Review status: criteria provided, multiple submitters, no conflicts (2 of 4 stars). 2 submissions from 2 submitters: Pathogenic (1); Likely pathogenic (1). Last evaluated 2025-07-27.

Conditions:
PDE6B-related disorder. Also called: PDE6B-related disease; PDE6B-related condition; PDE6B-related disorders.

Allele frequency attached by ClinVar (database versions not stated): gnomAD 0.00001.
gnomAD v4.1: 2 of 1,612,926 alleles (0.00012%); highest among the groups gnomAD compares: East Asian, 0.0022%; no homozygotes.

Submissions (2):

Labcorp Genetics (formerly Invitae), Labcorp
Classification: Pathogenic. Last evaluated: 2025-07-27. Review status: criteria provided, single submitter. Criteria: Invitae Variant Classification Sherloc (09022015). Collection method: clinical testing. Allele origin: germline.
Comment: This sequence change creates a premature translational stop signal (p.Gln423*) in the PDE6B gene. It is expected to result in an absent or disrupted protein product. Loss-of-function variants in PDE6B are known to be pathogenic (PMID: 8394174, 8595886, 22334370). This variant is not present in population databases (gnomAD no frequency). This variant has not been reported in the literature in individuals affected with PDE6B-related conditions. ClinVar contains an entry for this variant (Variation ID: 2119583). For these reasons, this variant has been classified as Pathogenic.

Blueprint Genetics
Classification: Likely pathogenic for PDE6B-related disorders. Last evaluated: 2017-08-28. Review status: criteria provided, single submitter. Criteria: ACMG Guidelines, 2015. Collection method: clinical testing. Allele origin: germline. Affected: yes. Observed: 1 variant allele.

Literature cited by the submitters: PubMed 8394174 (cited by Labcorp Genetics (formerly Invitae), Labcorp); PubMed 8595886 (cited by Labcorp Genetics (formerly Invitae), Labcorp); PubMed 22334370 (cited by Labcorp Genetics (formerly Invitae), Labcorp).